The following is an entry in ClinVar:

NM_000039.3(APOA1):c.498C>A (p.Ser166Arg)

Gene: APOA1 (apolipoprotein A1; minus strand). Cytogenetic location: 11q23.3.
Variant type: single nucleotide variant.
Coding change: c.498C>A on transcript NM_000039.3 (MANE Select); coding-DNA position 498, C replaced by A.
Protein change: p.Ser166Arg; replaces serine 166 with arginine.
Molecular consequence: missense variant.
Genome position (GRCh38, 1-based): chr11:116,836,114, G>T on the plus strand (C>A on the coding strand, the complement: APOA1 is on the minus strand). VCF-style: chr11-116836114-G-T. GRCh37 (hg19) VCF-style: chr11-116706830-G-T.
Other names: c.498C>A, p.Ser166Arg (NM_001318017.2, NM_001318018.2); c.171C>A, p.Ser57Arg (NM_001318021.2); short protein forms S166R, S57R.
Identifiers: ClinVar variation 302503 (VCV000302503.13), dbSNP rs757899657, ClinGen allele CA6289795.

ClinVar aggregate classification (germline): Conflicting classifications of pathogenicity. Review status: criteria provided, conflicting classifications (1 of 4 stars). 5 submissions from 4 submitters: Uncertain significance (1); Likely benign (4). Last evaluated 2025-12-14.

Conditions:
Cardiovascular phenotype. Identifiers: MedGen CN230736.
Hypoalphalipoproteinemia, primary, 1. Identifiers: Orphanet 425, MedGen C5231558, MONDO:0011393, OMIM 604091.
Familial visceral amyloidosis, Ostertag type (AMYLD2). Also called: AMYLOIDOSIS VIII; Ostertag type amyloidosis; Familial visceral amyloidosis; Amyloidosis, hepatic and systemic; AMYLOIDOSIS, HEREDITARY SYSTEMIC 2; Hereditary Renal Amyloidosis. Identifiers: Orphanet 85450, MedGen C0268389, MONDO:0007099, OMIM 105200.
Hypoalphalipoproteinemia, primary, 2. Also called: HIGH DENSITY LIPOPROTEIN DEFICIENCY; HYPOALPHALIPOPROTEINEMIA, PRIMARY, 2, AUTOSOMAL RECESSIVE. Identifiers: MedGen C5551172, MONDO:0032766, OMIM 618463.
Hypoalphalipoproteinemia, primary, 2, intermediate. Also called: HYPOALPHALIPOPROTEINEMIA, PRIMARY, 2, AUTOSOMAL DOMINANT. Identifiers: MedGen C5677030, MONDO:0859238, OMIM 619836.
Familial amyloid polyneuropathy, Iowa type (AMYLD3). Also called: Familial amyloid polyneuropathy type III; AMYLOIDOSIS, HEREDITARY SYSTEMIC 3; AMYLOIDOSIS, IOWA TYPE; AMYLOIDOSIS, VAN ALLEN TYPE; AMYLOIDOSIS, TYPE III; AMYLOIDOSIS, TYPE IV. Identifiers: MedGen C4551500, MONDO:0971008, OMIM 620657.

Allele frequency attached by ClinVar (database versions not stated): gnomAD 0.00004; gnomAD exomes 0.00004 and 0.00008; TOPMed 0.00007; ExAC 0.00010.
gnomAD v4.1: 64 of 1,611,734 alleles (0.004%); highest among the groups gnomAD compares: African/African-American, 0.0013%; no homozygotes.

Submissions (5):

Labcorp Genetics (formerly Invitae), Labcorp
Classification: Likely benign. Last evaluated: 2025-12-14. Review status: criteria provided, single submitter. Criteria: Invitae Variant Classification Sherloc (09022015). Collection method: clinical testing. Allele origin: germline.

Fulgent Genetics
Classification: Uncertain significance for Hypoalphalipoproteinemia, primary, 2; Hypoalphalipoproteinemia, primary, 2, intermediate; Familial amyloid polyneuropathy, Iowa type. Last evaluated: 2024-05-29. Review status: criteria provided, single submitter. Criteria: ACMG Guidelines, 2015. Collection method: clinical testing. Allele origin: germline.

Ambry Genetics
Classification: Likely benign for Cardiovascular phenotype. Last evaluated: 2021-12-29. Review status: criteria provided, single submitter. Criteria: Ambry Variant Classification Scheme 2023. Collection method: clinical testing. Allele origin: germline.

Illumina Laboratory Services, Illumina
Classification: Likely benign for Hypoalphalipoproteinemia, primary, 1. Last evaluated: 2018-01-13. Review status: criteria provided, single submitter. Criteria: ICSL Variant Classification Criteria 13 December 2019. Collection method: clinical testing. Allele origin: germline.
Comment: This variant was observed in the ICSL laboratory as part of a predisposition screen in an ostensibly healthy population. It had not been previously curated by ICSL or reported in the Human Gene Mutation Database (HGMD: prior to June 1st, 2018), and was therefore a candidate for classification through an automated scoring system. Utilizing variant allele frequency, disease prevalence and penetrance estimates, and inheritance mode, an automated score was calculated to assess if this variant is too frequent to cause the disease. Based on the score and internal cut-off values, a variant classified as likely benign is not then subjected to further curation. The score for this variant resulted in a classification of likely benign for this disease.

Illumina Laboratory Services, Illumina
Classification: Likely benign for Familial visceral amyloidosis, Ostertag type. Last evaluated: 2018-01-13. Review status: criteria provided, single submitter. Criteria: ICSL Variant Classification Criteria 13 December 2019. Collection method: clinical testing. Allele origin: germline.
Comment: the same text as in the submission from Illumina Laboratory Services, Illumina above.